The following is an entry in ClinVar:

ClinVar aggregate classification (germline): Uncertain significance. Review status: criteria provided, multiple submitters, no conflicts (2 of 4 stars). 2 submissions from 2 submitters: Uncertain significance (2). Last evaluated 2024-11-28.

Conditions:
RPGRIP1L-related disorder. Also called: RPGRIP1L-related disorders; RPGRIP1L-related condition. Identifiers: MedGen CN239416.
Meckel-Gruber syndrome. Also called: DYSENCEPHALIA SPLANCHNOCYSTICA; GRUBER SYNDROME; Dysencephalia splachnocystica. Identifiers: Orphanet 564, MedGen C0265215, MONDO:0018921.
Joubert syndrome. Also called: JOUBERT-BOLTSHAUSER SYNDROME; Familial aplasia of the vermis. Identifiers: Orphanet 475, MedGen C5979921, MONDO:0018772.

Allele frequency attached by ClinVar (database versions not stated): ExAC 0.00001; gnomAD exomes 0.00001; TOPMed 0.00001; gnomAD 0.00002.
gnomAD v4.1: 7 of 1,609,684 alleles (0.00043%); highest among the groups gnomAD compares: Non-Finnish European, 0.00059%; no homozygotes.

Submissions (2):

PreventionGenetics, part of Exact Sciences
Classification: Uncertain significance for RPGRIP1L-related condition. Last evaluated: 2024-11-28. Review status: criteria provided, single submitter. Criteria: ACMG Guidelines, 2015. Collection method: clinical testing. Allele origin: germline.
Comment: The RPGRIP1L c.85G>A variant is predicted to result in the amino acid substitution p.Glu29Lys. To our knowledge, this variant has not been reported in the literature. This variant is reported in 0.0018% of alleles in individuals of European (Non-Finnish) descent in gnomAD. At this time, the clinical significance of this variant is uncertain due to the absence of conclusive functional and genetic evidence.

Labcorp Genetics (formerly Invitae), Labcorp
Classification: Uncertain significance for Joubert syndrome; Meckel-Gruber syndrome. Last evaluated: 2022-10-05. Review status: criteria provided, single submitter. Criteria: Invitae Variant Classification Sherloc (09022015). Collection method: clinical testing. Allele origin: germline.
Comment: This sequence change replaces glutamic acid, which is acidic and polar, with lysine, which is basic and polar, at codon 29 of the RPGRIP1L protein (p.Glu29Lys). This variant also falls at the last nucleotide of exon 2, which is part of the consensus splice site for this exon. This variant is present in population databases (rs771740102, gnomAD 0.002%). This variant has not been reported in the literature in individuals affected with RPGRIP1L-related conditions. ClinVar contains an entry for this variant (Variation ID: 1436186). Algorithms developed to predict the effect of missense changes on protein structure and function are either unavailable or do not agree on the potential impact of this missense change (SIFT: "Deleterious"; PolyPhen-2: "Benign"; Align-GVGD: "Class C0"). Variants that disrupt the consensus splice site are a relatively common cause of aberrant splicing (PMID: 17576681, 9536098). Algorithms developed to predict the effect of sequence changes on RNA splicing suggest that this variant may disrupt the consensus splice site. In summary, the available evidence is currently insufficient to determine the role of this variant in disease. Therefore, it has been classified as a Variant of Uncertain Significance.

Literature cited by the submitters: PubMed 17576681 (cited by Labcorp Genetics (formerly Invitae), Labcorp); PubMed 9536098 (cited by Labcorp Genetics (formerly Invitae), Labcorp).

NM_015272.5(RPGRIP1L):c.85G>A (p.Glu29Lys)

Gene: RPGRIP1L (RPGRIP1 like; minus strand). Cytogenetic location: 16q12.2.
Variant type: single nucleotide variant.
Coding change: c.85G>A on transcript NM_015272.5 (MANE Select); coding-DNA position 85, G replaced by A.
Protein change: p.Glu29Lys; replaces glutamic acid 29 with lysine.
Molecular consequence: missense variant.
Genome position (GRCh38, 1-based): chr16:53,700,639, C>T on the plus strand (G>A on the coding strand, the complement: RPGRIP1L is on the minus strand). VCF-style: chr16-53700639-C-T. GRCh37 (hg19) VCF-style: chr16-53734551-C-T.
Other names: c.85G>A, p.Glu29Lys (NM_001127897.4, NM_001308334.3, NM_001328422.2 and 2 more transcripts); c.85G>A (NM_015272.4); short protein forms E29K.
Identifiers: ClinVar variation 1436186 (VCV001436186.8), dbSNP rs771740102, ClinGen allele CA8058229.